The following is an entry in ClinVar:

ClinVar aggregate classification (germline): Uncertain significance (1 of 4 stars; one submission).

Conditions:
EPILEPSY, CHILDHOOD ABSENCE, SUSCEPTIBILITY TO, 2 (ECA2). Identifiers: Orphanet 64280, MedGen C1843244, OMIM 607681.
Febrile seizures, familial, 8 (FEB8). Also called: CONVULSIONS, FAMILIAL FEBRILE, 8. Identifiers: Orphanet 36387, MedGen C1969810, MONDO:0011891, OMIM 607681.

Allele frequency attached by ClinVar (database versions not stated): gnomAD exomes below 0.00001.
gnomAD v4.1: 1 of 1,613,162 alleles (0.000062%); highest among the groups gnomAD compares: South Asian, 0.0011%; no homozygotes.

Submission:

Labcorp Genetics (formerly Invitae), Labcorp
Classification: Uncertain significance for Febrile seizures, familial, 8; EPILEPSY, CHILDHOOD ABSENCE, SUSCEPTIBILITY TO, 2. Last evaluated: 2023-08-10. Review status: criteria provided, single submitter. Criteria: Invitae Variant Classification Sherloc (09022015). Collection method: clinical testing. Allele origin: germline.
Comment: This sequence change replaces aspartic acid, which is acidic and polar, with glycine, which is neutral and non-polar, at codon 45 of the GABRG2 protein (p.Asp45Gly). This variant is present in population databases (no rsID available, gnomAD 0.003%). This variant has not been reported in the literature in individuals affected with GABRG2-related conditions. Advanced modeling of protein sequence and biophysical properties (such as structural, functional, and spatial information, amino acid conservation, physicochemical variation, residue mobility, and thermodynamic stability) has been performed at Invitae for this missense variant, however the output from this modeling did not meet the statistical confidence thresholds required to predict the impact of this variant on GABRG2 protein function. In summary, the available evidence is currently insufficient to determine the role of this variant in disease. Therefore, it has been classified as a Variant of Uncertain Significance.

NM_198904.4(GABRG2):c.134A>G (p.Asp45Gly)

Gene: GABRG2 (gamma-aminobutyric acid type A receptor subunit gamma2; plus strand). Cytogenetic location: 5q34.
Variant type: single nucleotide variant.
Coding change: c.134A>G on transcript NM_198904.4 (MANE Select); coding-DNA position 134, A replaced by G.
Protein change: p.Asp45Gly; replaces aspartic acid 45 with glycine.
Molecular consequence: missense variant. On other transcripts: 5 prime UTR variant (3).
Genome position (GRCh38, 1-based): chr5:162,093,854, A>G. VCF-style: chr5-162093854-A-G. GRCh37 (hg19) VCF-style: chr5-161520860-A-G.
Other names: c.134A>G, p.Asp45Gly (NM_000816.3, NM_001375340.1, NM_001375341.1 and 4 more transcripts); c.125A>G, p.Asp42Gly (NM_001375339.1); c.68A>G, p.Asp23Gly (NM_001375345.1, NM_001375346.1); c.47A>G, p.Asp16Gly (NM_001375347.1); c.-225A>G (NM_001375348.1, NM_001375350.1); c.-152A>G (NM_001375349.1); short protein forms D45G, D42G, D16G, D23G.
Identifiers: ClinVar variation 2942435 (VCV002942435.3), dbSNP rs1363015660, ClinGen allele CA362182886.